The following is an entry in ClinVar:

NM_005633.4(SOS1):c.570C>T (p.Asp190=)

Gene: SOS1 (SOS Ras/Rac guanine nucleotide exchange factor 1; minus strand). Cytogenetic location: 2p22.1.
Variant type: single nucleotide variant.
Coding change: c.570C>T on transcript NM_005633.4 (MANE Select); coding-DNA position 570, C replaced by T.
Protein change: p.Asp190=; no amino-acid change (aspartic acid 190 retained).
Molecular consequence: synonymous variant.
Genome position (GRCh38, 1-based): chr2:39,054,764, G>A on the plus strand (C>T on the coding strand, the complement: SOS1 is on the minus strand). VCF-style: chr2-39054764-G-A. GRCh37 (hg19) VCF-style: chr2-39281905-G-A.
Other names: p.D190D; NM_005633.3(SOS1):c.570C>T; c.549C>T, p.Asp183= (NM_001382394.1); c.570C>T, p.Asp190= (NM_001382395.1).
Identifiers: ClinVar variation 40655 (VCV000040655.66), dbSNP rs55980502, ClinGen allele CA136171.

ClinVar aggregate classification (germline): Benign. Review status: reviewed by expert panel (3 of 4 stars). 16 submissions from 15 submitters: Benign (1). 15 of the submissions do not count toward it. Last evaluated 2017-04-18.

Conditions:
Noonan syndrome and Noonan-related syndrome. Identifiers: Orphanet 98733, MedGen C5681679, MONDO:0020297.
Cardiovascular phenotype. Identifiers: MedGen CN230736.
Noonan syndrome 4 (NS4). Also called: NOONAN SYNDROME WITH PIGMENTED VILLONODULAR SYNOVITIS; SOS1-Related Noonan Syndrome. Identifiers: Orphanet 648, MedGen C1853120, MONDO:0012547, OMIM 610733.
Fibromatosis, gingival, 1 (GINGF1). Identifiers: Orphanet 2024, MedGen C4551558, MONDO:0007609, OMIM 135300.
RASopathy. Also called: rasopathies; Noonan spectrum disorder. Identifiers: Orphanet 536391, MedGen C5555857, MONDO:0021060.

Allele frequency attached by ClinVar (database versions not stated): ESP Exome Variant Server 0.00346; 1000 Genomes Project 30x 0.00078; ExAC 0.00246; 1000 Genomes Project 0.00100; gnomAD exomes 0.00228 and 0.00239; gnomAD 0.00231 and 0.00233; TOPMed 0.00221.

Submissions (16):

ClinGen RASopathy Variant Curation Expert Panel
Classification: Benign for Noonan syndrome and Noonan-related syndrome. Last evaluated: 2017-04-18. Review status: reviewed by expert panel. Criteria: ClinGen RASopathy ACMG Specifications v1. Collection method: curation. Allele origin: germline. Inheritance: Autosomal dominant inheritance.
Comment: The filtering allele frequency of the c.570C>T (p.Asp190=) variant in the SOS1 gene is 0.314% (234/66628) of European chromosomes by the Exome Aggregation Consortium, which is a high enough frequency to be classified as benign based on thresholds defined by the ClinGen RASopathy Expert Panel (BA1; PMID:29493581)

CeGaT Center for Human Genetics Tuebingen
Classification: Likely benign. Last evaluated: 2026-07-01. Review status: criteria provided, single submitter. Criteria: CeGaT Center For Human Genetics Tuebingen Variant Classification Criteria Version 2. Collection method: clinical testing. Allele origin: germline. Affected: yes. Observed: 23 variant alleles. Not counted in ClinVar's aggregate classification.
Comment: SOS1: BP4, BS1

Labcorp Genetics (formerly Invitae), Labcorp
Classification: Benign for RASopathy. Last evaluated: 2026-02-03. Review status: criteria provided, single submitter. Criteria: Invitae Variant Classification Sherloc (09022015). Collection method: clinical testing. Allele origin: germline. Not counted in ClinVar's aggregate classification.

Blueprint Genetics
Classification: Likely benign. Last evaluated: 2024-11-23. Review status: criteria provided, single submitter. Criteria: ACMG Guidelines, 2015. Collection method: clinical testing. Allele origin: germline. Not counted in ClinVar's aggregate classification.

Fulgent Genetics
Classification: Likely benign for Fibromatosis, gingival, 1; Noonan syndrome 4. Last evaluated: 2022-02-22. Review status: criteria provided, single submitter. Criteria: ACMG Guidelines, 2015. Collection method: clinical testing. Allele origin: unknown. Not counted in ClinVar's aggregate classification.

Genome Diagnostics Laboratory, The Hospital for Sick Children
Classification: Benign for Noonan syndrome and Noonan-related syndrome. Last evaluated: 2020-09-16. Review status: criteria provided, single submitter. Criteria: ACMG Guidelines, 2015. Collection method: clinical testing. Allele origin: germline. Not counted in ClinVar's aggregate classification.

Ambry Genetics
Classification: Benign for Cardiovascular phenotype. Last evaluated: 2019-01-25. Review status: criteria provided, single submitter. Criteria: Ambry Variant Classification Scheme 2023. Collection method: clinical testing. Allele origin: germline. Not counted in ClinVar's aggregate classification.

Illumina Laboratory Services, Illumina
Classification: Likely benign for Noonan syndrome 4. Last evaluated: 2018-01-13. Review status: criteria provided, single submitter. Criteria: ICSL Variant Classification Criteria 13 December 2019. Collection method: clinical testing. Allele origin: germline. Not counted in ClinVar's aggregate classification.
Comment: This variant was observed in the ICSL laboratory as part of a predisposition screen in an ostensibly healthy population. It had not been previously curated by ICSL or reported in the Human Gene Mutation Database (HGMD: prior to June 1st, 2018), and was therefore a candidate for classification through an automated scoring system. Utilizing variant allele frequency, disease prevalence and penetrance estimates, and inheritance mode, an automated score was calculated to assess if this variant is too frequent to cause the disease. Based on the score and internal cut-off values, a variant classified as likely benign is not then subjected to further curation. The score for this variant resulted in a classification of likely benign for this disease.

Illumina Laboratory Services, Illumina
Classification: Benign for Fibromatosis, gingival, 1. Last evaluated: 2018-01-13. Review status: criteria provided, single submitter. Criteria: ICSL Variant Classification Criteria 13 December 2019. Collection method: clinical testing. Allele origin: germline. Not counted in ClinVar's aggregate classification.
Comment: This variant was observed in the ICSL laboratory as part of a predisposition screen in an ostensibly healthy population. It had not been previously curated by ICSL or reported in the Human Gene Mutation Database (HGMD: prior to June 1st, 2018), and was therefore a candidate for classification through an automated scoring system. Utilizing variant allele frequency, disease prevalence and penetrance estimates, and inheritance mode, an automated score was calculated to assess if this variant is too frequent to cause the disease. Based on the score and internal cut-off values, a variant classified as benign is not then subjected to further curation. The score for this variant resulted in a classification of benign for this disease.

ARUP Laboratories, Molecular Genetics and Genomics, ARUP Laboratories
Classification: Benign. Last evaluated: 2017-06-01. Review status: criteria provided, single submitter. Criteria: ARUP Molecular Germline Variant Investigation Process. Collection method: clinical testing. Allele origin: germline. Not counted in ClinVar's aggregate classification.

Eurofins Ntd Llc (ga)
Classification: Benign. Last evaluated: 2016-02-09. Review status: criteria provided, single submitter. Criteria: EGL Classification Definitions 2015. Collection method: clinical testing. Allele origin: germline. Observed: 1 variant allele, 1 heterozygote. Not counted in ClinVar's aggregate classification.

GeneDx
Classification: Benign. Last evaluated: 2015-03-03. Review status: criteria provided, single submitter. Criteria: GeneDx Variant Classification Process June 2021. Collection method: clinical testing. Allele origin: germline. Affected: yes. Not counted in ClinVar's aggregate classification.

Laboratory for Molecular Medicine, Mass General Brigham Personalized Medicine
Classification: Benign. Last evaluated: 2011-06-09. Review status: criteria provided, single submitter. Criteria: LMM Criteria. Collection method: clinical testing. Allele origin: germline. Observed: 15 variant alleles. Not counted in ClinVar's aggregate classification.
Comment: Asp190Asp in exon 5 of SOS1: This variant (rs55980502) is not expected to have c linical signficance because it does not alter an amino acid residue and is not l ocated near a splice junction. In addition, this variant has been identified in the unaffected parent of one proband and two probands that have pathogenic varia nts in PTPN11 tested by our laboratory.

Clinical Genetics DNA and cytogenetics Diagnostics Lab, Erasmus MC, Erasmus Medical Center
Classification: Likely benign. Review status: no assertion criteria provided. Collection method: clinical testing. Allele origin: germline. Affected: yes. Study: VKGL Data-share Consensus. Not counted in ClinVar's aggregate classification.

Clinical Genetics, Academic Medical Center
Classification: Benign. Review status: no assertion criteria provided. Collection method: clinical testing. Allele origin: germline. Affected: yes. Study: VKGL Data-share Consensus. Not counted in ClinVar's aggregate classification.

Genome Diagnostics Laboratory, Amsterdam University Medical Center
Classification: Likely benign. Review status: no assertion criteria provided. Collection method: clinical testing. Allele origin: germline. Affected: yes. Study: VKGL Data-share Consensus. Not counted in ClinVar's aggregate classification.